The following is an entry in ClinVar:

ClinVar aggregate classification (germline): Likely benign (1 of 4 stars; one submission).

Conditions:
PLEC-related disorder. Also called: PLEC-related condition; PLEC-related disorders.

gnomAD v4.1: 4 of 1,566,004 alleles (0.00026%); highest among the groups gnomAD compares: Non-Finnish European, 0.00026%; no homozygotes.

Submission:

PreventionGenetics, part of Exact Sciences
Classification: Likely benign for PLEC-related condition. Last evaluated: 2026-07-07. Review status: criteria provided, single submitter. Criteria: ACMG Guidelines, 2015. Collection method: clinical testing. Allele origin: germline.
Comment: This variant is classified as likely benign based on ACMG/AMP sequence variant interpretation guidelines (Richards et al. 2015 PMID: 25741868, with internal and published modifications).

NM_201384.3(PLEC):c.3072C>T (p.Ala1024=)

Gene: PLEC (plectin; minus strand). Cytogenetic location: 8q24.3.
Variant type: single nucleotide variant.
Coding change: c.3072C>T on transcript NM_201384.3 (MANE Select); coding-DNA position 3072, C replaced by T.
Protein change: p.Ala1024=; no amino-acid change (alanine 1024 retained).
Molecular consequence: synonymous variant.
Genome position (GRCh38, 1-based): chr8:143,929,423, G>A on the plus strand (C>T on the coding strand, the complement: PLEC is on the minus strand). VCF-style: chr8-143929423-G-A. GRCh37 (hg19) VCF-style: chr8-145003591-G-A.
Other names: c.3153C>T, p.Ala1051= (NM_000445.5, NM_001410941.1); c.3030C>T, p.Ala1010= (NM_201378.4); c.3006C>T, p.Ala1002= (NM_201379.3); c.3483C>T, p.Ala1161= (NM_201380.4); c.2976C>T, p.Ala992= (NM_201381.3); c.3072C>T, p.Ala1024= (NM_201382.4); c.3084C>T, p.Ala1028= (NM_201383.3).
Identifiers: ClinVar variation 4979237 (VCV004979237.1).